The following is an entry in ClinVar:

ClinVar aggregate classification (germline): Uncertain significance (1 of 4 stars; one submission).

Conditions:
Aortic aneurysm, familial thoracic 4 (AAT4). Also called: AORTIC ANEURYSM/AORTIC DISSECTION AND PATENT DUCTUS ARTERIOSUS. Identifiers: MedGen C1851504, MONDO:0007568, OMIM 132900.

Submission:

Labcorp Genetics (formerly Invitae), Labcorp
Classification: Uncertain significance for Aortic aneurysm, familial thoracic 4. Last evaluated: 2022-12-17. Review status: criteria provided, single submitter. Criteria: Invitae Variant Classification Sherloc (09022015). Collection method: clinical testing. Allele origin: germline.
Comment: This sequence change replaces glutamine, which is neutral and polar, with lysine, which is basic and polar, at codon 1845 of the MYH11 protein (p.Gln1845Lys). In summary, the available evidence is currently insufficient to determine the role of this variant in disease. Therefore, it has been classified as a Variant of Uncertain Significance. Advanced modeling of protein sequence and biophysical properties (such as structural, functional, and spatial information, amino acid conservation, physicochemical variation, residue mobility, and thermodynamic stability) performed at Invitae indicates that this missense variant is not expected to disrupt MYH11 protein function. This variant has not been reported in the literature in individuals affected with MYH11-related conditions. This variant is not present in population databases (gnomAD no frequency).

NM_002474.3(MYH11):c.5512C>A (p.Gln1838Lys)

Genes: MYH11 (myosin heavy chain 11; minus strand), NDE1 (nudE neurodevelopment protein 1; plus strand). Cytogenetic location: 16p13.11.
Variant type: single nucleotide variant.
Coding change: c.5512C>A on transcript NM_002474.3 (MANE Select); coding-DNA position 5512, C replaced by A.
Protein change: p.Gln1838Lys; replaces glutamine 1838 with lysine.
Molecular consequence: missense variant. On other transcripts: intron variant (2).
Genome position (GRCh38, 1-based): chr16:15,715,265, G>T on the plus strand (C>A on the coding strand, the complement: MYH11 is on the minus strand). VCF-style: chr16-15715265-G-T. GRCh37 (hg19) VCF-style: chr16-15809122-G-T.
Other names: c.5533C>A, p.Gln1845Lys (NM_001040113.2, NM_001040114.2); c.5512C>A, p.Gln1838Lys (NM_022844.3); c.948-8926G>T (NM_001143979.2, NM_017668.3); short protein forms Q1838K, Q1845K.
Identifiers: ClinVar variation 2732477 (VCV002732477.3), dbSNP rs2510049736, ClinGen allele CA394847576.
Genomic context (GRCh38, chr16:15,715,265, plus strand): 5'-CCTGCAGCAAGATTTCCTTCAGCTTCTTGTCTTTCTGCTTCAGCGACTTGGTGGCCGCCT[G>T]TTTCTCTCTGCAAACAGCAAGGAAAACAGGTGGTTTCAGCGGAGGGTGGCACCCCTTGTA-3'
Protein context (NP_002465.1, residues 1828-1848): EQVEQEAREK[Gln1838Lys]AATKSLKQKD